The following is an entry in ClinVar:

NM_018489.3(ASH1L):c.7688G>A (p.Ser2563Asn)

Gene: ASH1L (ASH1 like histone lysine methyltransferase; minus strand). Cytogenetic location: 1q22.
Variant type: single nucleotide variant.
Coding change: c.7688G>A on transcript NM_018489.3 (MANE Select); coding-DNA position 7688, G replaced by A.
Protein change: p.Ser2563Asn; replaces serine 2563 with asparagine.
Molecular consequence: missense variant.
Genome position (GRCh38, 1-based): chr1:155,347,771, C>T on the plus strand (G>A on the coding strand, the complement: ASH1L is on the minus strand). VCF-style: chr1-155347771-C-T. GRCh37 (hg19) VCF-style: chr1-155317562-C-T.
Other names: c.7703G>A, p.Ser2568Asn (NM_001366177.2); short protein forms S2563N, S2568N.
Identifiers: ClinVar variation 5017155 (VCV005017155.1).
Genomic context (GRCh38, chr1:155,347,771, plus strand): 5'-CAGCGAATAACATCGTCGTCCTTCTCATGCCCATTCTCCTTTTCAGAGACTGAGGTCTCA[C>T]TGCTGTCTGCCTCACTTGCTGTCTCTCCCACAATCTCATCAATCTGGGCTGATGCCTCAT-3'
Protein context (NP_060959.2, residues 2553-2573): VGETASEADS[Ser2563Asn]ETSVSEKENG

ClinVar aggregate classification (germline): Uncertain significance (1 of 4 stars; one submission).

Submission:

GeneDx
Classification: Uncertain significance. Last evaluated: 2026-03-20. Review status: criteria provided, single submitter. Criteria: GeneDx Variant Classification Process June 2021. Collection method: clinical testing. Allele origin: germline.
Comment: Not observed at significant frequency in large population cohorts (gnomAD); In silico analysis suggests that this missense variant does not alter protein structure/function; Has not been previously published as pathogenic or benign to our knowledge